The following is an entry in ClinVar:

NM_000255.4(MMUT):c.1564A>T (p.Lys522Ter)

Gene: MMUT (methylmalonyl-CoA mutase; minus strand). Cytogenetic location: 6p12.3.
Variant type: single nucleotide variant.
Coding change: c.1564A>T on transcript NM_000255.4 (MANE Select); coding-DNA position 1564, A replaced by T.
Protein change: p.Lys522Ter; replaces lysine 522 with a stop codon.
Molecular consequence: nonsense.
Genome position (GRCh38, 1-based): chr6:49,444,751, T>A on the plus strand (A>T on the coding strand, the complement: MMUT is on the minus strand). VCF-style: chr6-49444751-T-A. GRCh37 (hg19) VCF-style: chr6-49412464-T-A.
Other names: short protein forms K522*.
Identifiers: ClinVar variation 984144 (VCV000984144.3), dbSNP rs748358807, ClinGen allele CA364397001.
Genomic context (GRCh38, chr6:49,444,751, plus strand): 5'-CAGCACATTCGGTTAGTGCAGCAAGACAACGTTCAGCCAAAGCTTGATCCCTGCTGGATT[T>A]GATCTATGGAAAAAGTCAAGGAAAGGGACAATTTACATGAAGAGAGAATAAAACAGAGAT-3'

ClinVar aggregate classification (germline): Likely pathogenic (1 of 4 stars; one submission).

Conditions:
Methylmalonic aciduria due to methylmalonyl-CoA mutase deficiency (MAMM). Also called: Methylmalonic aciduria, mut type. Identifiers: Orphanet 27, MedGen C1855114, MONDO:0009612, OMIM 251000.

Submission:

Myriad Genetics, Inc.
Classification: Likely pathogenic for Methylmalonic aciduria due to methylmalonyl-CoA mutase deficiency. Last evaluated: 2019-12-30. Review status: criteria provided, single submitter. Criteria: Myriad Women's Health Autosomal Recessive and X-Linked Classification Criteria (2019). Collection method: clinical testing. Allele origin: unknown.
Comment: NM_000255.3(MUT):c.1564A>T(K522*) is expected to be pathogenic in the context of MUT-related methylmalonic acidemia. This variant is predicted to lead to an abnormal or absent protein product due to the creation of a premature termination codon in MUT, a gene where loss-of-function variants are known to be pathogenic. Please note: this variant was assessed in the context of healthy population screening.